The following is an entry in ClinVar:

NM_145199.3(LIPT1):c.970C>T (p.Arg324Cys)

Genes: LIPT1 (lipoyltransferase 1; plus strand), MITD1 (microtubule interacting and trafficking domain containing 1; minus strand). Cytogenetic location: 2q11.2.
Variant type: single nucleotide variant.
Coding change: c.970C>T on transcript NM_145199.3 (MANE Select); coding-DNA position 970, C replaced by T.
Protein change: p.Arg324Cys; replaces arginine 324 with cysteine.
Molecular consequence: missense variant. On other transcripts: non-coding transcript variant (2).
Genome position (GRCh38, 1-based): chr2:99,162,927, C>T. VCF-style: chr2-99162927-C-T. GRCh37 (hg19) VCF-style: chr2-99779390-C-T.
Other names: c.970C>T, p.Arg324Cys (NM_001204830.2, NM_015929.4, NM_145197.3 and 1 more transcripts); c.970C>T (NM_001204830.1, NM_145199.2); short protein forms R324C.
Identifiers: ClinVar variation 2166138 (VCV002166138.3), dbSNP rs576171217, ClinGen allele CA1797415.

ClinVar aggregate classification (germline): Conflicting classifications of pathogenicity. Review status: criteria provided, conflicting classifications (1 of 4 stars). 3 submissions from 3 submitters: Uncertain significance (2); Likely benign (1). Last evaluated 2026-03-24.

Conditions:
Inborn genetic diseases. Identifiers: MedGen C0950123, MeSH D030342.

Allele frequency attached by ClinVar (database versions not stated): gnomAD 0.00017; 1000 Genomes Project 0.00020; ExAC 0.00002; 1000 Genomes Project 30x 0.00031; TOPMed 0.00016.
gnomAD v4.1: 82 of 1,613,646 alleles (0.0051%); highest among the groups gnomAD compares: Admixed American, 0.05%; no homozygotes.

Submissions (3):

GeneDx
Classification: Uncertain significance. Last evaluated: 2026-03-24. Review status: criteria provided, single submitter. Criteria: GeneDx Variant Classification Process June 2021. Collection method: clinical testing. Allele origin: germline.
Comment: In silico analysis suggests that this missense variant does not alter protein structure/function; Has not been previously published as pathogenic or benign to our knowledge

Ambry Genetics
Classification: Likely benign for Inborn genetic diseases. Last evaluated: 2024-02-05. Review status: criteria provided, single submitter. Criteria: Ambry Variant Classification Scheme 2023. Collection method: clinical testing. Allele origin: germline.

Labcorp Genetics (formerly Invitae), Labcorp
Classification: Uncertain significance. Last evaluated: 2022-08-09. Review status: criteria provided, single submitter. Criteria: Invitae Variant Classification Sherloc (09022015). Collection method: clinical testing. Allele origin: germline.
Comment: This sequence change replaces arginine, which is basic and polar, with cysteine, which is neutral and slightly polar, at codon 324 of the LIPT1 protein (p.Arg324Cys). This variant is present in population databases (rs576171217, gnomAD 0.03%). This variant has not been reported in the literature in individuals affected with LIPT1-related conditions. Algorithms developed to predict the effect of missense changes on protein structure and function output the following: SIFT: "Tolerated"; PolyPhen-2: "Benign"; Align-GVGD: "Class C0". The cysteine amino acid residue is found in multiple mammalian species, which suggests that this missense change does not adversely affect protein function. In summary, the available evidence is currently insufficient to determine the role of this variant in disease. Therefore, it has been classified as a Variant of Uncertain Significance.